The following is an entry in ClinVar:

NM_001754.5(RUNX1):c.1258G>C (p.Gly420Arg)

Gene: RUNX1 (RUNX family transcription factor 1; minus strand). Cytogenetic location: 21q22.12.
Variant type: single nucleotide variant.
Coding change: c.1258G>C on transcript NM_001754.5 (MANE Select); coding-DNA position 1258, G replaced by C.
Protein change: p.Gly420Arg; replaces glycine 420 with arginine.
Molecular consequence: missense variant.
Genome position (GRCh38, 1-based): chr21:34,792,320, C>G on the plus strand (G>C on the coding strand, the complement: RUNX1 is on the minus strand). VCF-style: chr21-34792320-C-G. GRCh37 (hg19) VCF-style: chr21-36164617-C-G.
Other names: c.1177G>C, p.Gly393Arg (NM_001001890.3); short protein forms G393R, G420R.
Identifiers: ClinVar variation 5028594 (VCV005028594.1).

ClinVar aggregate classification (germline): Uncertain significance (1 of 4 stars; one submission).

Conditions:
Inborn genetic diseases. Identifiers: MedGen C0950123, MeSH D030342.

Submission:

Ambry Genetics
Classification: Uncertain significance for Inborn genetic diseases. Last evaluated: 2026-07-31. Review status: criteria provided, single submitter. Criteria: Ambry Variant Classification Scheme 2023. Collection method: clinical testing. Allele origin: germline.
Comment: The p.G420R variant (also known as c.1258G>C), located in coding exon 8 of the RUNX1 gene, results from a G to C substitution at nucleotide position 1258. The glycine at codon 420 is replaced by arginine, an amino acid with dissimilar properties. This amino acid position is conserved. In addition, this alteration is predicted to be tolerated by in silico analysis. Based on the available evidence, the clinical significance of this variant remains unclear.